The following is an entry in ClinVar:

NM_002474.3(MYH11):c.523C>T (p.Leu175=)

Gene: MYH11 (myosin heavy chain 11; minus strand). Cytogenetic location: 16p13.11.
Variant type: single nucleotide variant.
Coding change: c.523C>T on transcript NM_002474.3 (MANE Select); coding-DNA position 523, C replaced by T.
Protein change: p.Leu175=; no amino-acid change (leucine 175 retained).
Molecular consequence: synonymous variant.
Genome position (GRCh38, 1-based): chr16:15,798,667, G>A on the plus strand (C>T on the coding strand, the complement: MYH11 is on the minus strand). VCF-style: chr16-15798667-G-A. GRCh37 (hg19) VCF-style: chr16-15892524-G-A.
Other names: c.523C>T, p.Leu175= (NM_001040113.2, NM_001040114.2, NM_022844.3).
Identifiers: ClinVar variation 3070526 (VCV003070526.1), dbSNP rs760826765, ClinGen allele CA7923013.

ClinVar aggregate classification (germline): Likely benign (1 of 4 stars; one submission).

Conditions:
Familial thoracic aortic aneurysm and aortic dissection (TAAD). Also called: Thoracic aortic aneurysms and dissections. Identifiers: Orphanet 91387, MedGen C4707243, MONDO:0019625.

Allele frequency attached by ClinVar (database versions not stated): ExAC 0.00002.

Submission:

All of Us Research Program, National Institutes of Health
Classification: Likely benign for Familial thoracic aortic aneurysm and aortic dissection. Last evaluated: 2023-04-28. Review status: criteria provided, single submitter. Criteria: ACMG Guidelines, 2015. Collection method: clinical testing. Allele origin: germline. Inheritance: Autosomal dominant inheritance. Observed: 1 variant allele, 1 heterozygote.
Comment: This study involves interpretation of variants in research participants for the purpose of population health screening. Participant phenotype was not available at the time of variant classification. Additional details can be found in publication PMID: 35346344, PMCID: PMC8962531